The following is an entry in ClinVar:

NM_001165963.4(SCN1A):c.4002+2576T>C

Genes: SCN1A (sodium voltage-gated channel alpha subunit 1; minus strand), LOC102724058 (uncharacterized LOC102724058; plus strand). Cytogenetic location: 2q24.3.
Variant type: single nucleotide variant.
Coding change: c.4002+2576T>C on transcript NM_001165963.4 (MANE Select); 2576 bases into the intron after coding-DNA position 4002, T replaced by C.
Molecular consequence: intron variant.
Genome position (GRCh38, 1-based): chr2:166,007,143, A>G on the plus strand (T>C on the coding strand, the complement: SCN1A is on the minus strand). VCF-style: chr2-166007143-A-G. GRCh37 (hg19) VCF-style: chr2-166863653-A-G.
Other names: c.3969+2576T>C (NM_001353949.2, NM_001353950.2, NM_001353951.2 and 2 more transcripts); c.3918+2576T>C (NM_001353958.2, NM_001353957.2, NM_001165964.3); c.4002+2576T>C (NM_001202435.3, NM_001353948.2); c.3966+2576T>C (NM_001353955.2, NM_001353954.2); c.3915+2576T>C (NM_001353960.2); c.1560+2576T>C (NM_001353961.2).
Identifiers: ClinVar variation 2955582 (VCV002955582.3), dbSNP rs1691774185, ClinGen allele CA2740095830.
Genomic context (GRCh38, chr2:166,007,143, plus strand): 5'-GACAATTGAAAAGAGGGGATTAGGATGTAAATAATGTATTTTCCCTACTGTGGTGCAATA[A>G]TAGTACCCTTCCCAATCCCTCCCTCACCCCACTACACATAAGTCACAGTGCAAGGATTAA-3'

ClinVar aggregate classification (germline): Uncertain significance (1 of 4 stars; one submission).

Conditions:
Early-infantile DEE. Also called: Early infantile epileptic encephalopathy with suppression bursts; Early infantile epileptic encephalopathy; Ohtahara syndrome. Identifiers: Orphanet 1934, MedGen C0393706, MONDO:0800491.

Submission:

Labcorp Genetics (formerly Invitae), Labcorp
Classification: Uncertain significance for Early-infantile DEE. Last evaluated: 2024-05-15. Review status: criteria provided, single submitter. Criteria: Invitae Variant Classification Sherloc (09022015). Collection method: clinical testing. Allele origin: germline.
Comment: This sequence change falls in intron 20 of the SCN1A gene. It does not directly change the encoded amino acid sequence of the SCN1A protein. However, this sequence change falls within a region encompassing a cryptic exon in the SCN1A gene, in which variants have been shown to alter splicing (PMID: 30526861, 34107977). This variant is not present in population databases (gnomAD no frequency). This variant has not been reported in the literature in individuals affected with SCN1A-related conditions. Algorithms developed to predict the effect of sequence changes on RNA splicing suggest that this variant is not likely to affect RNA splicing. In summary, the available evidence is currently insufficient to determine the role of this variant in disease. Therefore, it has been classified as a Variant of Uncertain Significance.

Literature cited by the submitters: PubMed 30526861; PubMed 34107977.